The following is an entry in ClinVar:

ClinVar aggregate classification (germline): Uncertain significance (1 of 4 stars; one submission).

Conditions:
Noonan syndrome (NS). Also called: Noonan's syndrome. Identifiers: Orphanet 648, MedGen C0028326, MeSH D009634, MONDO:0018997. Disease mechanism: gain of function.

gnomAD v4.1: 47 of 1,613,372 alleles (0.0029%); highest among the groups gnomAD compares: Non-Finnish European, 0.0037%; no homozygotes.

Submission:

Clinical Genomics Laboratory, Washington University in St. Louis
Classification: Uncertain significance for Noonan syndrome. Last evaluated: 2025-08-14. Review status: criteria provided, single submitter. Criteria: ACMG Guidelines, 2015. Collection method: clinical testing. Allele origin: germline.
Comment: A RASA2 c.1211G>A (p.Arg404Gln) variant was identified at a near heterozygous allelic fraction of 45.7%, a frequency which may be consistent with it being of germline origin. The RASA2 c.1211G>A (p.Arg404Gln) variant, to our knowledge, has not been reported in the medical literature. This variant has been identified in 47/1,613,372 alleles in the general population (gnomAD v.4.1.0). Computational predictors suggest that the variant does not impact RASA2 function. Due to limited information, and based on ACMG/AMP guidelines for variant interpretation (Richards S et al., PMID: 25741868), the clinical significance of this variant is uncertain at this time.

NM_006506.5(RASA2):c.1211G>A (p.Arg404Gln)

Gene: RASA2 (RAS p21 protein activator 2; plus strand). Cytogenetic location: 3q23.
Variant type: single nucleotide variant.
Coding change: c.1211G>A on transcript NM_006506.5 (MANE Select); coding-DNA position 1211, G replaced by A.
Protein change: p.Arg404Gln; replaces arginine 404 with glutamine.
Molecular consequence: missense variant.
Genome position (GRCh38, 1-based): chr3:141,572,650, G>A. VCF-style: chr3-141572650-G-A. GRCh37 (hg19) VCF-style: chr3-141291492-G-A.
Other names: c.1211G>A, p.Arg404Gln (NM_001303245.3, NM_001303246.3); short protein forms R404Q.
Identifiers: ClinVar variation 4279901 (VCV004279901.1).